The following is an entry in ClinVar:

NM_001111125.3(IQSEC2):c.1456C>A (p.Pro486Thr)

Gene: IQSEC2 (IQ motif and Sec7 domain ArfGEF 2; minus strand). Cytogenetic location: Xp11.22.
Variant type: single nucleotide variant.
Coding change: c.1456C>A on transcript NM_001111125.3 (MANE Select); coding-DNA position 1456, C replaced by A.
Protein change: p.Pro486Thr; replaces proline 486 with threonine.
Molecular consequence: missense variant.
Genome position (GRCh38, 1-based): chrX:53,251,120, G>T on the plus strand (C>A on the coding strand, the complement: IQSEC2 is on the minus strand). VCF-style: chrX-53251120-G-T. GRCh37 (hg19) VCF-style: chrX-53280302-G-T.
Other names: c.1456C>A, p.Pro486Thr (NM_001410736.1); c.841C>A, p.Pro281Thr (NM_015075.2); short protein forms P281T, P486T.
Identifiers: ClinVar variation 3625025 (VCV003625025.2).
Genomic context (GRCh38, chrX:53,251,120, plus strand): 5'-CTTGCTGTTCCTTTGACTCCCGCTTCTCCAGCTGGGCTGACCCTGGCTCCTCAGACATGG[G>T]CCCTGACGGGTGGCAGTTCAGGGCTTCGTCGATGGATTCAGCCAGAGACTTTACCTGTGC-3'
Protein context (NP_001104595.1, residues 476-496): DEALNCHPSG[Pro486Thr]MSEEPGSAQL

ClinVar aggregate classification (germline): Uncertain significance (1 of 4 stars; one submission).

Conditions:
Intellectual developmental disorder, X-linked 1. Also called: Atkin Flaitz Patil Smith syndrome; MENTAL RETARDATION, X-LINKED 18; MENTAL RETARDATION, X-LINKED 78; Intellectual disability, X-linked 1. Identifiers: Orphanet 777, MedGen C2931498, MONDO:0010656, OMIM 309530.

gnomAD v4.1: 15 of 1,210,245 alleles (0.0012%); highest among the groups gnomAD compares: Non-Finnish European, 0.0016%; no homozygotes.

Submission:

Labcorp Genetics (formerly Invitae), Labcorp
Classification: Uncertain significance for Intellectual developmental disorder, X-linked 1. Last evaluated: 2024-02-06. Review status: criteria provided, single submitter. Criteria: Invitae Variant Classification Sherloc (09022015). Collection method: clinical testing. Allele origin: germline.
Comment: This sequence change replaces proline, which is neutral and non-polar, with threonine, which is neutral and polar, at codon 486 of the IQSEC2 protein (p.Pro486Thr). This variant is not present in population databases (gnomAD no frequency). This variant has not been reported in the literature in individuals affected with IQSEC2-related conditions. Advanced modeling of protein sequence and biophysical properties (such as structural, functional, and spatial information, amino acid conservation, physicochemical variation, residue mobility, and thermodynamic stability) performed at Invitae indicates that this missense variant is not expected to disrupt IQSEC2 protein function with a negative predictive value of 95%. In summary, the available evidence is currently insufficient to determine the role of this variant in disease. Therefore, it has been classified as a Variant of Uncertain Significance.